The following is an entry in ClinVar:

NM_003560.4(PLA2G6):c.1287_1288del (p.Pro430fs)

Gene: PLA2G6 (phospholipase A2 group VI; minus strand). Cytogenetic location: 22q13.1.
Variant type: Microsatellite.
Coding change: c.1287_1288del on transcript NM_003560.4 (MANE Select); coding-DNA positions 1287 to 1288, 2 bases deleted (GC; older notation c.1287_1288delGC).
Protein change: p.Pro430fs; shifts the reading frame from proline 430.
Molecular consequence: frameshift variant. On other transcripts: intron variant (5).
Genome position (GRCh38, 1-based): chr22:38,128,329-38,128,330, GC deleted on the plus strand (GC on the coding strand, the reverse complement: PLA2G6 is on the minus strand); deleting any 2 consecutive bases within chr22:38,128,329-38,128,332 gives the same sequence; the c. name uses the placement nearest the transcript's 3' end. VCF-style (leftmost placement, unchanged base first): chr22-38128328-GGC-G. GRCh37 (hg19) VCF-style: chr22-38524335-GGC-G.
Other names: c.1287_1288del, p.Pro430fs (NM_001349864.2); c.753_754del, p.Pro252fs (NM_001349867.2); c.609_610del, p.Pro204fs (NM_001349868.2); c.1186+1124_1186+1125del (NM_001349866.2, NM_001199562.3, NM_001349865.2 and 1 more transcripts); c.652+1124_652+1125del (NM_001349869.2); short protein forms P204fs, P430fs, P252fs.
Identifiers: ClinVar variation 3642038 (VCV003642038.2).

ClinVar aggregate classification (germline): Pathogenic (1 of 4 stars; one submission).

Conditions:
Infantile neuroaxonal dystrophy (NBIA2A). Also called: NEURODEGENERATION WITH BRAIN IRON ACCUMULATION 2A; SEITELBERGER DISEASE; Infantile neuroaxonal dystrophy 1. Identifiers: Orphanet 35069, MedGen C0270724, MONDO:0024457, OMIM 256600.

Submission:

Labcorp Genetics (formerly Invitae), Labcorp
Classification: Pathogenic for Infantile neuroaxonal dystrophy. Last evaluated: 2024-02-19. Review status: criteria provided, single submitter. Criteria: Invitae Variant Classification Sherloc (09022015). Collection method: clinical testing. Allele origin: germline.
Comment: This sequence change creates a premature translational stop signal (p.Pro430Thrfs*83) in the PLA2G6 gene. It is expected to result in an absent or disrupted protein product. Loss-of-function variants in PLA2G6 are known to be pathogenic (PMID: 16783378, 18570303, 18799783, 22213678). This variant is not present in population databases (gnomAD no frequency). This variant has not been reported in the literature in individuals affected with PLA2G6-related conditions. For these reasons, this variant has been classified as Pathogenic.

Literature cited by the submitters: PubMed 16783378; PubMed 18570303; PubMed 18799783; PubMed 22213678.